The following is an entry in ClinVar:

NM_015272.5(RPGRIP1L):c.1243+6T>C

Gene: RPGRIP1L (RPGRIP1 like; minus strand). Cytogenetic location: 16q12.2.
Variant type: single nucleotide variant.
Coding change: c.1243+6T>C on transcript NM_015272.5 (MANE Select); 6 bases into the intron after coding-DNA position 1243, T replaced by C.
Molecular consequence: intron variant.
Genome position (GRCh38, 1-based): chr16:53,664,864, A>G on the plus strand (T>C on the coding strand, the complement: RPGRIP1L is on the minus strand). VCF-style: chr16-53664864-A-G. GRCh37 (hg19) VCF-style: chr16-53698776-A-G.
Other names: c.1243+6T>C (NM_001127897.4, NM_001330538.2, NM_001308334.3).
Identifiers: ClinVar variation 1045557 (VCV001045557.3), dbSNP rs751839339, ClinGen allele CA8057875.
Genomic context (GRCh38, chr16:53,664,864, plus strand): 5'-TGACTGATTCAATGAAGAAACATTAGATGTCTGAAATGAGTAAGGCAGTGGTTATTTCAA[A>G]TGTACCTCTTTCAGTTTTTAATCTGTCAAGGATTTCAGTTTTGTCTGTTAAGTCAGACTT-3'

ClinVar aggregate classification (germline): Uncertain significance. Review status: criteria provided, single submitter (1 of 4 stars). 2 submissions from 2 submitters: Uncertain significance (1). 1 of the submissions does not count toward it. Last evaluated 2022-06-13.

Conditions:
Joubert syndrome. Also called: Familial aplasia of the vermis; CEREBELLOPARENCHYMAL DISORDER IV; JOUBERT-BOLTSHAUSER SYNDROME. Identifiers: Orphanet 475, MedGen C5979921, MONDO:0018772.
Meckel-Gruber syndrome. Also called: Dysencephalia splachnocystica; DYSENCEPHALIA SPLANCHNOCYSTICA; GRUBER SYNDROME. Identifiers: Orphanet 564, MedGen C0265215, MONDO:0018921.

Allele frequency attached by ClinVar (database versions not stated): gnomAD exomes below 0.00001 and 0.00001; TOPMed below 0.00001; ExAC 0.00001.
gnomAD v4.1: 12 of 1,609,112 alleles (0.00075%); highest among the groups gnomAD compares: Non-Finnish European, 0.001%; no homozygotes.

Submissions (2):

Labcorp Genetics (formerly Invitae), Labcorp
Classification: Uncertain significance for Joubert syndrome; Meckel-Gruber syndrome. Last evaluated: 2022-06-13. Review status: criteria provided, single submitter. Criteria: Invitae Variant Classification Sherloc (09022015). Collection method: clinical testing. Allele origin: germline.
Comment: This sequence change falls in intron 10 of the RPGRIP1L gene. It does not directly change the encoded amino acid sequence of the RPGRIP1L protein. It affects a nucleotide within the consensus splice site. This variant is present in population databases (rs751839339, gnomAD 0.0009%). This variant has not been reported in the literature in individuals affected with RPGRIP1L-related conditions. ClinVar contains an entry for this variant (Variation ID: 1045557). Variants that disrupt the consensus splice site are a relatively common cause of aberrant splicing (PMID: 17576681, 9536098). Algorithms developed to predict the effect of sequence changes on RNA splicing suggest that this variant is not likely to affect RNA splicing. In summary, the available evidence is currently insufficient to determine the role of this variant in disease. Therefore, it has been classified as a Variant of Uncertain Significance.

Natera, Inc.
Classification: Uncertain significance for Joubert syndrome. Last evaluated: 2020-02-21. Review status: no assertion criteria provided. Collection method: clinical testing. Allele origin: germline. Not counted in ClinVar's aggregate classification.

Literature cited by the submitters: PubMed 17576681 (cited by Labcorp Genetics (formerly Invitae), Labcorp); PubMed 9536098 (cited by Labcorp Genetics (formerly Invitae), Labcorp).